The following is an entry in ClinVar:

ClinVar aggregate classification (germline): Pathogenic (1 of 4 stars; one submission).

Conditions:
Primary ciliary dyskinesia. Also called: Ciliary dyskinesia. Identifiers: Orphanet 244, MedGen C0008780, MONDO:0016575, HP:0012265.

Submission:

Labcorp Genetics (formerly Invitae), Labcorp
Classification: Pathogenic for Primary ciliary dyskinesia. Last evaluated: 2020-11-03. Review status: criteria provided, single submitter. Criteria: Invitae Variant Classification Sherloc (09022015). Collection method: clinical testing. Allele origin: germline.
Comment: For these reasons, this variant has been classified as Pathogenic. Loss-of-function variants in DNAH5 are known to be pathogenic (PMID: 11788826, 16627867). This variant has not been reported in the literature in individuals with DNAH5-related conditions. This variant is not present in population databases (ExAC no frequency). This sequence change creates a premature translational stop signal (p.Glu918*) in the DNAH5 gene. It is expected to result in an absent or disrupted protein product.

Literature cited by the submitters: PubMed 11788826; PubMed 16627867.

NM_001369.3(DNAH5):c.2752G>T (p.Glu918Ter)

Genes: DNAH5 (dynein axonemal heavy chain 5; minus strand), DNAH5-AS1 (DNAH5 antisense RNA 1; plus strand). Cytogenetic location: 5p15.2.
Variant type: single nucleotide variant.
Coding change: c.2752G>T on transcript NM_001369.3 (MANE Select); coding-DNA position 2752, G replaced by T.
Protein change: p.Glu918Ter; replaces glutamic acid 918 with a stop codon.
Molecular consequence: nonsense.
Genome position (GRCh38, 1-based): chr5:13,885,220, C>A on the plus strand (G>T on the coding strand, the complement: DNAH5 is on the minus strand). VCF-style: chr5-13885220-C-A. GRCh37 (hg19) VCF-style: chr5-13885329-C-A.
Other names: short protein forms E918*.
Identifiers: ClinVar variation 1070080 (VCV001070080.7), dbSNP rs2151941841, ClinGen allele CA359195893.